The following is an entry in ClinVar:

ClinVar aggregate classification (germline): Uncertain significance. Review status: criteria provided, multiple submitters, no conflicts (2 of 4 stars). 4 submissions from 4 submitters: Uncertain significance (4). Last evaluated 2025-06-18.

Conditions:
Inborn genetic diseases. Identifiers: MedGen C0950123, MeSH D030342.
Hereditary spastic paraplegia 47. Also called: adaptor protein 4 (AP-4) deficiency syndrome; Spastic paraplegia 47, autosomal recessive; CEREBRAL PALSY, SPASTIC QUADRIPLEGIC, 5. Identifiers: Orphanet 280763, MedGen C3279738, MONDO:0013551, OMIM 614066.

Allele frequency attached by ClinVar (database versions not stated): ExAC 0.00004; gnomAD exomes 0.00001 and 0.00002.
gnomAD v4.1: 13 of 1,614,168 alleles (0.00081%); highest among the groups gnomAD compares: Non-Finnish European, 0.0011%; no homozygotes.

Submissions (4):

Mayo Clinic Laboratories, Mayo Clinic
Classification: Uncertain significance. Last evaluated: 2025-06-18. Review status: criteria provided, single submitter. Criteria: ACMG Guidelines, 2015. Collection method: clinical testing. Allele origin: germline. Observed: 1 variant allele.
Comment: PM2_supporting

Genome-Nilou Lab
Classification: Uncertain significance for Hereditary spastic paraplegia 47. Last evaluated: 2023-04-11. Review status: criteria provided, single submitter. Criteria: ACMG Guidelines, 2015. Collection method: clinical testing. Allele origin: germline. Affected: no.

Labcorp Genetics (formerly Invitae), Labcorp
Classification: Uncertain significance for Hereditary spastic paraplegia 47. Last evaluated: 2022-03-22. Review status: criteria provided, single submitter. Criteria: Invitae Variant Classification Sherloc (09022015). Collection method: clinical testing. Allele origin: germline.
Comment: This sequence change replaces arginine, which is basic and polar, with glutamine, which is neutral and polar, at codon 512 of the AP4B1 protein (p.Arg512Gln). This variant is present in population databases (rs754458814, gnomAD 0.004%). This variant has not been reported in the literature in individuals affected with AP4B1-related conditions. ClinVar contains an entry for this variant (Variation ID: 588315). Algorithms developed to predict the effect of missense changes on protein structure and function (SIFT, PolyPhen-2, Align-GVGD) all suggest that this variant is likely to be disruptive. In summary, the available evidence is currently insufficient to determine the role of this variant in disease. Therefore, it has been classified as a Variant of Uncertain Significance.

Ambry Genetics
Classification: Uncertain significance for Inborn genetic diseases. Last evaluated: 2016-10-07. Review status: criteria provided, single submitter. Criteria: Ambry Variant Classification Scheme 2023. Collection method: clinical testing. Allele origin: germline.
Comment: The p.R512Q variant (also known as c.1535G>A), located in coding exon 9 of the AP4B1 gene, results from a G to A substitution at nucleotide position 1535. The arginine at codon 512 is replaced by glutamine, an amino acid with highly similar properties. This variant was not reported in population based cohorts in the following databases: Database of Single Nucleotide Polymorphisms (dbSNP), NHLBI Exome Sequencing Project (ESP), and 1000 Genomes Project. In the ESP, this variant was not observed in 6503 samples (13006 alleles) with coverage at this position. This amino acid position is highly conserved in available vertebrate species. In addition, the in silico prediction for this alteration is inconclusive. Since supporting evidence is limited at this time, the clinical significance of this alteration remains unclear.

NM_001253852.3(AP4B1):c.1535G>A (p.Arg512Gln)

Genes: AP4B1 (adaptor related protein complex 4 subunit beta 1; minus strand), AP4B1-AS1 (AP4B1 antisense RNA 1; plus strand). Cytogenetic location: 1p13.2.
Variant type: single nucleotide variant.
Coding change: c.1535G>A on transcript NM_001253852.3 (MANE Select); coding-DNA position 1535, G replaced by A.
Protein change: p.Arg512Gln; replaces arginine 512 with glutamine.
Molecular consequence: missense variant.
Genome position (GRCh38, 1-based): chr1:113,896,014, C>T on the plus strand (G>A on the coding strand, the complement: AP4B1 is on the minus strand). VCF-style: chr1-113896014-C-T. GRCh37 (hg19) VCF-style: chr1-114438636-C-T.
Other names: p.Arg512Gln; c.1238G>A, p.Arg413Gln (NM_001253853.3); c.1031G>A, p.Arg344Gln (NM_001308312.2); c.1535G>A, p.Arg512Gln (NM_006594.5); short protein forms R512Q, R344Q, R413Q.
Identifiers: ClinVar variation 588315 (VCV000588315.8), dbSNP rs754458814, ClinGen allele CA1015758.